The following is an entry in ClinVar:

NM_001244008.2(KIF1A):c.890A>G (p.Lys297Arg)

Gene: KIF1A (kinesin family member 1A; minus strand). Cytogenetic location: 2q37.3.
Variant type: single nucleotide variant.
Coding change: c.890A>G on transcript NM_001244008.2 (MANE Select); coding-DNA position 890, A replaced by G.
Protein change: p.Lys297Arg; replaces lysine 297 with arginine.
Molecular consequence: missense variant.
Genome position (GRCh38, 1-based): chr2:240,775,919, T>C on the plus strand (A>G on the coding strand, the complement: KIF1A is on the minus strand). VCF-style: chr2-240775919-T-C. GRCh37 (hg19) VCF-style: chr2-241715336-T-C.
Other names: c.890A>G, p.Lys297Arg (NM_001320705.2, NM_001330289.2, NM_001330290.2 and 20 more transcripts); short protein forms K297R.
Identifiers: ClinVar variation 989197 (VCV000989197.10), dbSNP rs1250934752, ClinGen allele CA351297961.

ClinVar aggregate classification (germline): Conflicting classifications of pathogenicity. Review status: criteria provided, conflicting classifications (1 of 4 stars). 3 submissions from 3 submitters: Pathogenic (1); Uncertain significance (2). Last evaluated 2024-04-16.

Conditions:
Hereditary spastic paraplegia 30. Identifiers: Orphanet 101010, MedGen C5235139, MONDO:0012476.
Neuropathy, hereditary sensory, type 2C. Also called: KIF1A-Related HSAN2 (HSAN2C); Hereditary sensory and autonomic neuropathy type IIC. Identifiers: Orphanet 970, MedGen C3280168, MONDO:0013634, OMIM 614213.
Intellectual disability, autosomal dominant 9 (NESCAVS). Also called: NESCAV SYNDROME; KIF1A-Related Neurodevelopmental Disorder. Identifiers: Orphanet 662367, MedGen C5393830, MONDO:0013656, OMIM 614255.

Allele frequency attached by ClinVar (database versions not stated): gnomAD exomes below 0.00001; gnomAD 0.00001.
gnomAD v4.1: 4 of 1,609,472 alleles (0.00025%); highest among the groups gnomAD compares: Non-Finnish European, 0.00034%; no homozygotes.

Submissions (3):

Blueprint Genetics
Classification: Uncertain significance. Last evaluated: 2024-04-16. Review status: criteria provided, single submitter. Criteria: ACMG Guidelines, 2015. Collection method: clinical testing. Allele origin: germline.

Labcorp Genetics (formerly Invitae), Labcorp
Classification: Uncertain significance for Hereditary spastic paraplegia 30; Neuropathy, hereditary sensory, type 2C; Intellectual disability, autosomal dominant 9. Last evaluated: 2023-03-30. Review status: criteria provided, single submitter. Criteria: Invitae Variant Classification Sherloc (09022015). Collection method: clinical testing. Allele origin: germline.
Comment: This variant is present in population databases (no rsID available, gnomAD 0.002%). This sequence change replaces lysine, which is basic and polar, with arginine, which is basic and polar, at codon 297 of the KIF1A protein (p.Lys297Arg). This variant has not been reported in the literature in individuals affected with KIF1A-related conditions. ClinVar contains an entry for this variant (Variation ID: 989197). Advanced modeling of protein sequence and biophysical properties (such as structural, functional, and spatial information, amino acid conservation, physicochemical variation, residue mobility, and thermodynamic stability) performed at Invitae indicates that this missense variant is expected to disrupt KIF1A protein function. In summary, the available evidence is currently insufficient to determine the role of this variant in disease. Therefore, it has been classified as a Variant of Uncertain Significance.

Paris Brain Institute, Inserm - ICM
Classification: Pathogenic for Spastic paraplegia 30A, autosomal dominant. Review status: criteria provided, single submitter. Criteria: ACMG Guidelines, 2015. Collection method: clinical testing. Allele origin: unknown. Affected: yes. Observed: 1 variant allele.